The following is an entry in ClinVar:

NM_001928.4(CFD):c.97G>A (p.Glu33Lys)

Gene: CFD (complement factor D; plus strand). Cytogenetic location: 19p13.3.
Variant type: single nucleotide variant.
Coding change: c.97G>A on transcript NM_001928.4 (MANE Select); coding-DNA position 97, G replaced by A.
Protein change: p.Glu33Lys; replaces glutamic acid 33 with lysine.
Molecular consequence: missense variant.
Genome position (GRCh38, 1-based): chr19:860,658, G>A. VCF-style: chr19-860658-G-A. GRCh37 (hg19) VCF-style: chr19-860658-G-A.
Other names: c.118G>A, p.Glu40Lys (NM_001317335.2); short protein forms E33K, E40K.
Identifiers: ClinVar variation 3633565 (VCV003633565.2).

ClinVar aggregate classification (germline): Uncertain significance (1 of 4 stars; one submission).

Submission:

Labcorp Genetics (formerly Invitae), Labcorp
Classification: Uncertain significance. Last evaluated: 2024-04-10. Review status: criteria provided, single submitter. Criteria: Invitae Variant Classification Sherloc (09022015). Collection method: clinical testing. Allele origin: germline.
Comment: This sequence change replaces glutamic acid, which is acidic and polar, with lysine, which is basic and polar, at codon 33 of the CFD protein (p.Glu33Lys). This variant is not present in population databases (gnomAD no frequency). This variant has not been reported in the literature in individuals affected with CFD-related conditions. Algorithms developed to predict the effect of missense changes on protein structure and function output the following: SIFT: "Not Available"; PolyPhen-2: "Benign"; Align-GVGD: "Not Available". The lysine amino acid residue is found in multiple mammalian species, which suggests that this missense change does not adversely affect protein function. In summary, the available evidence is currently insufficient to determine the role of this variant in disease. Therefore, it has been classified as a Variant of Uncertain Significance.